The following is an entry in ClinVar:

NM_005932.4(MIPEP):c.1401T>G (p.Val467=)

Gene: MIPEP (mitochondrial intermediate peptidase; minus strand). Cytogenetic location: 13q12.12.
Variant type: single nucleotide variant.
Coding change: c.1401T>G on transcript NM_005932.4 (MANE Select); coding-DNA position 1401, T replaced by G.
Protein change: p.Val467=; no amino-acid change (valine 467 retained).
Molecular consequence: synonymous variant.
Genome position (GRCh38, 1-based): chr13:23,837,694, A>C on the plus strand (T>G on the coding strand, the complement: MIPEP is on the minus strand). VCF-style: chr13-23837694-A-C. GRCh37 (hg19) VCF-style: chr13-24411833-A-C.
Identifiers: ClinVar variation 3771177 (VCV003771177.13).
Genomic context (GRCh38, chr13:23,837,694, plus strand): 5'-AGGAGTTAGCAAAGTTGGAGAACTCCTTGAGGAACGGGGAAGATTCAGCATAAGAACTAC[A>C]ACTGGGAGTTGATAGTCTCCATCTTCCTTTAGTCTGCCTCCACGGATAGTGAAATGGCAA-3'
Protein context (NP_005923.3, residues 457-477): LKEDGDYQLP[Val467=]VVLMLNLPRS

ClinVar aggregate classification (germline): Likely benign (1 of 4 stars; one submission).

gnomAD v4.1: 80 of 1,614,002 alleles (0.005%); highest among the groups gnomAD compares: Non-Finnish European, 0.0064%; no homozygotes.

Submission:

CeGaT Center for Human Genetics Tuebingen
Classification: Likely benign. Last evaluated: 2024-12-01. Review status: criteria provided, single submitter. Criteria: CeGaT Center For Human Genetics Tuebingen Variant Classification Criteria Version 2. Collection method: clinical testing. Allele origin: germline. Affected: yes. Observed: 1 variant allele.
Comment: MIPEP: BP4, BP7